The following is an entry in ClinVar:

NM_016030.6(TRAPPC12):c.1822A>T (p.Lys608Ter)

Gene: TRAPPC12 (trafficking protein particle complex subunit 12; plus strand). Cytogenetic location: 2p25.3.
Variant type: single nucleotide variant.
Coding change: c.1822A>T on transcript NM_016030.6 (MANE Select); coding-DNA position 1822, A replaced by T.
Protein change: p.Lys608Ter; replaces lysine 608 with a stop codon.
Molecular consequence: nonsense.
Genome position (GRCh38, 1-based): chr2:3,477,740, A>T. VCF-style: chr2-3477740-A-T. GRCh37 (hg19) VCF-style: chr2-3481511-A-T.
Other names: c.1822A>T, p.Lys608Ter (NM_001321102.2); short protein forms K608*.
Identifiers: ClinVar variation 3254923 (VCV003254923.1), dbSNP rs764323391.

ClinVar aggregate classification (germline): Pathogenic (1 of 4 stars; one submission).

Conditions:
Early-onset progressive encephalopathy-hearing loss-pons hypoplasia-brain atrophy syndrome. Also called: ENCEPHALOPATHY, PROGRESSIVE, EARLY-ONSET, WITH BRAIN ATROPHY AND SPASTICITY. Identifiers: Orphanet 500144, MedGen C5567229, MONDO:0044696, OMIM 617669.

Submission:

Victorian Clinical Genetics Services, Murdoch Childrens Research Institute
Classification: Pathogenic for Early-onset progressive encephalopathy-hearing loss-pons hypoplasia-brain atrophy syndrome. Last evaluated: 2023-07-17. Review status: criteria provided, single submitter. Criteria: ACMG Guidelines, 2015. Collection method: clinical testing. Allele origin: germline. Inheritance: Autosomal recessive inheritance. Affected: yes.
Comment: Based on the classification scheme VCGS_Germline_v1.3.4, this variant is classified as Pathogenic. Following criteria are met: 0102 - Loss of function is a known mechanism of disease in this gene and is associated with encephalopathy, progressive, early-onset, with brain atrophy and spasticity (MIM#617669). (I) 0106 - This gene is associated with autosomal recessive disease. (I) 0201 - Variant is predicted to cause nonsense-mediated decay (NMD) and loss of protein (premature termination codon is located at least 54 nucleotides upstream of the final exon-exon junction). (SP) 0251 - This variant is heterozygous. (I) 0301 - Variant is absent from gnomAD (both v2 and v3). (SP) 0702 - Other NMD-predicted variants comparable to the one identified in this case have strong previous evidence for pathogenicity. These variants have been reported as likely pathogenic and pathogenic, and observed in individuals or fetuses with a neurological phenotype (DECIPHER, PMID: 36658419, PMID: 32347653). (SP) 0807 - This variant has no previous evidence of pathogenicity. (I) 0905 - No published segregation evidence has been identified for this variant. (I) 1007 - No published functional evidence has been identified for this variant. (I) 1102 - Strong phenotype match for this individual. (SP) 1201 - Heterozygous variant detected in trans with a second pathogenic heterozygous variant (p.(Gln32Argfs*31)) in a recessive disease. (I) Legend: (SP) - Supporting pathogenic, (I) - Information, (SB) - Supporting benign

Literature cited by the submitters: PubMed 32347653; PubMed 36658419.